The following is an entry in ClinVar:

ClinVar aggregate classification (germline): Uncertain significance. Review status: criteria provided, multiple submitters, no conflicts (2 of 4 stars). 4 submissions from 4 submitters: Uncertain significance (4). Last evaluated 2025-07-28.

Conditions:
Timothy syndrome (TS). Also called: LONG QT SYNDROME WITH SYNDACTYLY. Identifiers: Orphanet 65283, MedGen C1832916, MeSH C536962, MONDO:0010979, OMIM 601005.
Long QT syndrome (LQTS). Identifiers: MedGen C0023976, MeSH D008133, MONDO:0002442. Disease mechanism: loss of function. Inheritance: Various modes of inheritance.
Cardiovascular phenotype. Identifiers: MedGen CN230736.
Familial long QT syndrome (RWS). Also called: VENTRICULAR FIBRILLATION WITH PROLONGED QT INTERVAL; Congenital long QT syndrome; Romano-Ward syndrome. Identifiers: Orphanet 768, MedGen C1141890, MONDO:0019171.

gnomAD v4.1: 1 of 1,569,778 alleles (0.000064%); highest among the groups gnomAD compares: Non-Finnish European, 0.000086%; no homozygotes.

Submissions (4):

Ambry Genetics
Classification: Uncertain significance for Cardiovascular phenotype. Last evaluated: 2025-07-28. Review status: criteria provided, single submitter. Criteria: Ambry Variant Classification Scheme 2023. Collection method: clinical testing. Allele origin: germline.
Comment: The p.N639K variant (also known as c.1917C>A), located in coding exon 14 of the CACNA1C gene, results from a C to A substitution at nucleotide position 1917. The asparagine at codon 639 is replaced by lysine, an amino acid with similar properties. This amino acid position is highly conserved in available vertebrate species. In addition, the in silico prediction for this alteration is inconclusive. Based on the available evidence, the clinical significance of this variant remains unclear.

Labcorp Genetics (formerly Invitae), Labcorp
Classification: Uncertain significance for Long QT syndrome. Last evaluated: 2024-06-11. Review status: criteria provided, single submitter. Criteria: Invitae Variant Classification Sherloc (09022015). Collection method: clinical testing. Allele origin: germline.
Comment: This sequence change replaces asparagine, which is neutral and polar, with lysine, which is basic and polar, at codon 639 of the CACNA1C protein (p.Asn639Lys). This variant is not present in population databases (gnomAD no frequency). This variant has not been reported in the literature in individuals affected with CACNA1C-related conditions. ClinVar contains an entry for this variant (Variation ID: 560694). Advanced modeling of protein sequence and biophysical properties (such as structural, functional, and spatial information, amino acid conservation, physicochemical variation, residue mobility, and thermodynamic stability) performed at Invitae indicates that this missense variant is expected to disrupt CACNA1C protein function with a positive predictive value of 95%. In summary, the available evidence is currently insufficient to determine the role of this variant in disease. Therefore, it has been classified as a Variant of Uncertain Significance.

Victorian Clinical Genetics Services, Murdoch Childrens Research Institute
Classification: Uncertain significance for Familial long QT syndrome. Last evaluated: 2020-07-02. Review status: criteria provided, single submitter. Criteria: ACMG Guidelines, 2015. Collection method: clinical testing. Allele origin: germline. Inheritance: Autosomal dominant inheritance.
Comment: Based on the classification scheme VCGS_Germline_v1.3.3, this variant is classified as VUS-3A. Following criteria are met: 0103 - Loss of function and gain of function are known mechanisms of disease in this gene. (I) 0107 - This gene is associated with autosomal dominant disease. (I) 0200 - Variant is predicted to result in a missense amino acid change from asparagine to lysine (exon 14). (I) 0251 - This variant is heterozygous. (I) 0301 - Variant is absent from gnomAD (both v2 and v3). Note: this region has <30x coverage. (SP) 0502 - Missense variant with conflicting in silico predictions and uninformative conservation. Moderate amino acid change, very high conservation. (I) 0604 - Variant is not located in an established domain, motif, hotspot or informative constraint region. Located in the intracellular region between subunits S4 and S5 of Domain II (PMID: 31004778). (I) 0704 - Another missense variant comparable to the one identified in this case has limited previous evidence for pathogenicity. PMID: 31004778; Functional studies of CRISPR/Cas9-edited hiPSC-CMs had indicated an impact on the channel (increased action potential and slower voltage-dependent inactivation). (SP) 0809 - Previous evidence of pathogenicity for this variant is inconclusive. ClinVar: VUS x1 (condition: Timothy syndrome) with an alternative nucleotide change (C>G) causing the same amino acid change also reported as a VUS x2 in ClinVar (conditions: Timothy syndrome, Not provided). (I) 0905 - No published segregation evidence has been identified for this variant. (I) 1007 - No published functional evidence has been identified for this variant. (I) 1208 - Inheritance information for this variant is not currently available in this individual. (I) Legend: (SP) - Supporting Pathogenic, (I) – Information, (SB) – Supporting Benign

MVZ Martinsried, Medicover Genetics
Classification: Uncertain significance for Timothy syndrome. Last evaluated: 2018-02-02. Review status: criteria provided, single submitter. Criteria: ACMG Guidelines, 2015. Collection method: clinical testing. Allele origin: unknown. Affected: yes.

Literature cited by the submitters: PubMed 31004778 (cited by Victorian Clinical Genetics Services, Murdoch Childrens Research Institute).

NM_000719.7(CACNA1C):c.1917C>A (p.Asn639Lys)

Gene: CACNA1C (calcium voltage-gated channel subunit alpha1 C; plus strand). Cytogenetic location: 12p13.33.
Variant type: single nucleotide variant.
Coding change: c.1917C>A on transcript NM_000719.7 (MANE Select); coding-DNA position 1917, C replaced by A.
Protein change: p.Asn639Lys; replaces asparagine 639 with lysine.
Molecular consequence: missense variant.
Genome position (GRCh38, 1-based): chr12:2,581,611, C>A. VCF-style: chr12-2581611-C-A. GRCh37 (hg19) VCF-style: chr12-2690777-C-A.
Other names: c.1917C>A, p.Asn639Lys (NM_001129827.2, NM_001129829.2, NM_001129830.3 and 18 more transcripts); c.1908C>A, p.Asn636Lys (NM_001129844.2); short protein forms N639K, N636K.
Identifiers: ClinVar variation 560694 (VCV000560694.13), dbSNP rs1057524804, ClinGen allele CA383370133.